The following is an entry in ClinVar:

NM_032638.5(GATA2):c.79C>A (p.Pro27Thr)

Gene: GATA2 (GATA binding protein 2; minus strand). Cytogenetic location: 3q21.3.
Variant type: single nucleotide variant.
Coding change: c.79C>A on transcript NM_032638.5 (MANE Select); coding-DNA position 79, C replaced by A.
Protein change: p.Pro27Thr; replaces proline 27 with threonine.
Molecular consequence: missense variant.
Genome position (GRCh38, 1-based): chr3:128,486,953, G>T on the plus strand (C>A on the coding strand, the complement: GATA2 is on the minus strand). VCF-style: chr3-128486953-G-T. GRCh37 (hg19) VCF-style: chr3-128205796-G-T.
Other names: c.79C>A, p.Pro27Thr (NM_001145661.2, NM_001145662.1); short protein forms P27T.
Identifiers: ClinVar variation 5022205 (VCV005022205.1).

ClinVar aggregate classification (germline): Uncertain significance (1 of 4 stars; one submission).

Conditions:
Inborn genetic diseases. Identifiers: MedGen C0950123, MeSH D030342.

Submission:

Ambry Genetics
Classification: Uncertain significance for Inborn genetic diseases. Last evaluated: 2026-07-07. Review status: criteria provided, single submitter. Criteria: Ambry Variant Classification Scheme 2023. Collection method: clinical testing. Allele origin: germline.
Comment: The p.P27T variant (also known as c.79C>A), located in coding exon 1 of the GATA2 gene, results from a C to A substitution at nucleotide position 79. The proline at codon 27 is replaced by threonine, an amino acid with highly similar properties. This amino acid position is conserved. In addition, the in silico prediction for this alteration is inconclusive. Based on the available evidence, the clinical significance of this variant remains unclear.